The following is an entry in ClinVar:

NM_176787.5(PIGN):c.1319G>A (p.Arg440Lys)

Gene: PIGN (phosphatidylinositol glycan anchor biosynthesis class N; minus strand). Cytogenetic location: 18q21.33.
Variant type: single nucleotide variant.
Coding change: c.1319G>A on transcript NM_176787.5 (MANE Select); coding-DNA position 1319, G replaced by A.
Protein change: p.Arg440Lys; replaces arginine 440 with lysine.
Molecular consequence: missense variant.
Genome position (GRCh38, 1-based): chr18:62,113,249, C>T on the plus strand (G>A on the coding strand, the complement: PIGN is on the minus strand). VCF-style: chr18-62113249-C-T. GRCh37 (hg19) VCF-style: chr18-59780482-C-T.
Other names: c.1319G>A, p.Arg440Lys (NM_012327.6); short protein forms R440K.
Identifiers: ClinVar variation 1387316 (VCV001387316.6), dbSNP rs2146578438, ClinGen allele CA402605891.

ClinVar aggregate classification (germline): Uncertain significance (1 of 4 stars; one submission).

Conditions:
Multiple congenital anomalies-hypotonia-seizures syndrome 1 (MCAHS1). Also called: GLYCOSYLPHOSPHATIDYLINOSITOL BIOSYNTHESIS DEFECT 3; Congenital disorder of glycosylation due to PIGN deficiency; PIGN-CDG. Identifiers: Orphanet 280633, MedGen C3279775, MONDO:0013563, OMIM 614080.

Submission:

Labcorp Genetics (formerly Invitae), Labcorp
Classification: Uncertain significance for Multiple congenital anomalies-hypotonia-seizures syndrome 1. Last evaluated: 2024-08-05. Review status: criteria provided, single submitter. Criteria: Invitae Variant Classification Sherloc (09022015). Collection method: clinical testing. Allele origin: germline.
Comment: This sequence change replaces arginine with lysine at codon 440 of the PIGN protein (p.Arg440Lys). The arginine residue is highly conserved and there is a small physicochemical difference between arginine and lysine. This variant is not present in population databases (gnomAD no frequency). This variant has not been reported in the literature in individuals affected with PIGN-related conditions. ClinVar contains an entry for this variant (Variation ID: 1387316). Advanced modeling of protein sequence and biophysical properties (such as structural, functional, and spatial information, amino acid conservation, physicochemical variation, residue mobility, and thermodynamic stability) performed at Invitae indicates that this missense variant is not expected to disrupt PIGN protein function with a negative predictive value of 80%. In summary, the available evidence is currently insufficient to determine the role of this variant in disease. Therefore, it has been classified as a Variant of Uncertain Significance.